The following is an entry in ClinVar:

ClinVar aggregate classification (germline): Uncertain significance. Review status: criteria provided, multiple submitters, no conflicts (2 of 4 stars). 2 submissions from 2 submitters: Uncertain significance (2). Last evaluated 2025-10-18.

Conditions:
FANCD2-related disorder. Also called: FANCD2-related condition.
Fanconi anemia (FA). Also called: Fanconi's anemia. Identifiers: Orphanet 84, MedGen C0015625, MeSH D005199, MONDO:0019391.

Allele frequency attached by ClinVar (database versions not stated): gnomAD 0.00001 and 0.00002; TOPMed 0.00001; gnomAD exomes 0.00001.
gnomAD v4.1: 6 of 1,614,010 alleles (0.00037%); highest among the groups gnomAD compares: South Asian, 0.0033%; no homozygotes.

Submissions (2):

PreventionGenetics, part of Exact Sciences
Classification: Uncertain significance for FANCD2-related condition. Last evaluated: 2025-10-18. Review status: criteria provided, single submitter. Criteria: ACMG Guidelines, 2015. Collection method: clinical testing. Allele origin: germline.
Comment: The FANCD2 c.4133A>G variant is predicted to result in the amino acid substitution p.Asn1378Ser. To our knowledge, this variant has not been reported in the literature. This variant is reported in 0.0033% of alleles in individuals of South Asian descent in gnomAD. At this time, the clinical significance of this variant is uncertain due to the absence of conclusive functional and genetic evidence.

Labcorp Genetics (formerly Invitae), Labcorp
Classification: Uncertain significance for Fanconi anemia. Last evaluated: 2021-09-02. Review status: criteria provided, single submitter. Criteria: Invitae Variant Classification Sherloc (09022015). Collection method: clinical testing. Allele origin: germline.
Comment: This sequence change replaces asparagine with serine at codon 1378 of the FANCD2 protein (p.Asn1378Ser). The asparagine residue is highly conserved and there is a small physicochemical difference between asparagine and serine. This variant is not present in population databases (ExAC no frequency). This variant has not been reported in the literature in individuals affected with FANCD2-related conditions. Algorithms developed to predict the effect of missense changes on protein structure and function are either unavailable or do not agree on the potential impact of this missense change (SIFT: "Deleterious"; PolyPhen-2: "Probably Damaging"; Align-GVGD: "Class C0"). Algorithms developed to predict the effect of sequence changes on RNA splicing suggest that this variant may create or strengthen a splice site. In summary, the available evidence is currently insufficient to determine the role of this variant in disease. Therefore, it has been classified as a Variant of Uncertain Significance.

NM_001018115.3(FANCD2):c.4133A>G (p.Asn1378Ser)

Genes: FANCD2 (FA complementation group D2; plus strand), FANCD2OS (FANCD2 opposite strand; minus strand). Cytogenetic location: 3p25.3.
Variant type: single nucleotide variant.
Coding change: c.4133A>G on transcript NM_001018115.3 (MANE Select); coding-DNA position 4133, A replaced by G.
Protein change: p.Asn1378Ser; replaces asparagine 1378 with serine.
Molecular consequence: missense variant. On other transcripts: intron variant (1).
Genome position (GRCh38, 1-based): chr3:10,096,420, A>G. VCF-style: chr3-10096420-A-G. GRCh37 (hg19) VCF-style: chr3-10138104-A-G.
Other names: c.4133A>G, p.Asn1378Ser (NM_001319984.2, NM_033084.6); c.4022A>G, p.Asn1341Ser (NM_001374253.1); c.4094A>G, p.Asn1365Ser (NM_001374254.1); c.*43+7778T>C (NM_173472.2); short protein forms N1378S, N1341S, N1365S.
Identifiers: ClinVar variation 1390597 (VCV001390597.7), dbSNP rs1452379242, ClinGen allele CA351757891.